The following is an entry in ClinVar:

NM_001282531.3(ADNP):c.-5-1G>A

Gene: ADNP (activity dependent neuroprotector homeobox; minus strand). Cytogenetic location: 20q13.13.
Variant type: single nucleotide variant.
Coding change: c.-5-1G>A on transcript NM_001282531.3 (MANE Select); the canonical splice acceptor site of the intron before 5 bases upstream of the start codon, G replaced by A.
Molecular consequence: splice acceptor variant.
Genome position (GRCh38, 1-based): chr20:50,904,002, C>T on the plus strand (G>A on the coding strand, the complement: ADNP is on the minus strand). VCF-style: chr20-50904002-C-T. GRCh37 (hg19) VCF-style: chr20-49520539-C-T.
Other names: c.-5-1G>A (NM_181442.4, NM_001347511.2, NM_015339.5 and 1 more transcripts).
Identifiers: ClinVar variation 423847 (VCV000423847.2), dbSNP rs1064796656, ClinGen allele CA16620939.

ClinVar aggregate classification (germline): Uncertain significance (1 of 4 stars; one submission).

Submission:

GeneDx
Classification: Uncertain significance. Last evaluated: 2017-03-08. Review status: criteria provided, single submitter. Criteria: GeneDx Variant Classification (06012015). Collection method: clinical testing. Allele origin: germline. Affected: yes.
Comment: A variant of uncertain significance has been identified in the ADNP gene. The c.-5-1G>A variant has not been published as a pathogenic variant, nor has it been reported as a benign variant to our knowledge. It is not observed in large population cohorts (Lek et al., 2016; 1000 Genomes Consortium et al., 2015; Exome Variant Server). The c.-5-1G>A variant destroys the canonical splice acceptor site in intron 2. It is predicted to cause abnormal gene splicing, either leading to an abnormal message that is subject to nonsense-mediated mRNA decay, or to an abnormal protein product if the message is used for protein translation. However, other variants in nearby residues have not been reported in the Human Gene Mutation Database in association with ADNP-related disorders (Stenson et al., 2014). Based on the currently available information, it is unclear whether the c.-5-1G>A variant is a pathogenic variant or a rare benign variant.